The following is an entry in ClinVar:

ClinVar aggregate classification (germline): Uncertain significance (1 of 4 stars; one submission).

Submission:

Labcorp Genetics (formerly Invitae), Labcorp
Classification: Uncertain significance. Last evaluated: 2023-11-03. Review status: criteria provided, single submitter. Criteria: Invitae Variant Classification Sherloc (09022015). Collection method: clinical testing. Allele origin: germline.
Comment: This sequence change replaces lysine, which is basic and polar, with tryptophan, which is neutral and slightly polar, at codon 131 of the APOA1 protein (p.Lys131Trp). Information on the frequency of this variant in the gnomAD database is not available, as this variant may be reported differently in the database. This missense change has been observed in individual(s) with clinical features of APOA1-related conditions (PMID: 32041611). An algorithm developed to predict the effect of missense changes on protein structure and function (PolyPhen-2) suggests that this variant is likely to be disruptive. In summary, the available evidence is currently insufficient to determine the role of this variant in disease. Therefore, it has been classified as a Variant of Uncertain Significance.

Literature cited by the submitters: PubMed 32041611.

NM_000039.3(APOA1):c.391_392delinsTG (p.Lys131Trp)

Genes: APOA1 (apolipoprotein A1; minus strand), APOA1-AS (APOA1 antisense RNA; plus strand). Cytogenetic location: 11q23.3.
Variant type: Indel.
Coding change: c.391_392delinsTG on transcript NM_000039.3 (MANE Select); coding-DNA positions 391 to 392, AA replaced by TG.
Protein change: p.Lys131Trp; replaces lysine 131 with tryptophan.
Molecular consequence: missense variant. On other transcripts: non-coding transcript variant (1).
Genome position (GRCh38, 1-based): chr11:116,836,220-116,836,221, TT replaced by CA on the plus strand (AA replaced by TG on the coding strand, the reverse complement: APOA1 is on the minus strand). VCF-style: chr11-116836220-TT-CA. GRCh37 (hg19) VCF-style: chr11-116706936-TT-CA.
Other names: c.391_392delinsTG, p.Lys131Trp (NM_001318017.2, NM_001318018.2); c.64_65delAAinsTG, p.Lys22Trp (NM_001318021.2, NM_001425091.1, NM_001425092.1); c.391_392delAAinsTG, p.Lys131Trp (NM_001425090.1, NM_001425093.1); short protein forms K131W, K22W.
Identifiers: ClinVar variation 3002347 (VCV003002347.3), dbSNP rs2540290489, ClinGen allele CA2695215587.